The following is an entry in ClinVar:

ClinVar aggregate classification (germline): Likely pathogenic. Review status: criteria provided, single submitter (1 of 4 stars). 2 submissions from 2 submitters: Likely pathogenic (1). 1 of the submissions does not count toward it. Last evaluated 2023-02-23.

Conditions:
Developmental and epileptic encephalopathy, 84. Also called: EPILEPTIC ENCEPHALOPATHY, EARLY IFANTILE, 84. Identifiers: MedGen C5394081, MONDO:0032918, OMIM 618792.
Epileptic encephalopathy. Identifiers: MedGen C0543888, HP:0200134.

Allele frequency attached by ClinVar (database versions not stated): ExAC 0.00001; gnomAD exomes 0.00001 and 0.00002.
gnomAD v4.1: 11 of 1,613,490 alleles (0.00068%); highest among the groups gnomAD compares: Admixed American, 0.0017%; no homozygotes.

Submissions (2):

3billion
Classification: Likely pathogenic for Developmental and epileptic encephalopathy, 84. Last evaluated: 2023-02-23. Review status: criteria provided, single submitter. Criteria: ACMG Guidelines, 2015. Collection method: clinical testing. Allele origin: unknown. Affected: yes.
Comment: The variant is observed at an extremely low frequency in the gnomAD v2.1.1 dataset (total allele frequency: 0.002%). Missense changes are a common disease-causing mechanism. Functional studies provide strong evidence of the variant having a damaging effect on the gene or gene product (PMID: 32001716). Same nucleotide change resulting in same amino acid change has been previously reported to be associated with UGDH related disorder (ClinVar ID: VCV000810645 / PMID: 32001716). Therefore, this variant is classified as Likely pathogenic according to the recommendation of ACMG/AMP guideline.

Section for Clinical Neurogenetics, University of Tübingen
Classification: Likely pathogenic for Epileptic Encephalopathy. Last evaluated: 2019-10-01. Review status: no assertion criteria provided. Collection method: research. Allele origin: germline. Affected: yes. Not counted in ClinVar's aggregate classification.

Literature cited by the submitters: PubMed 32001716 (cited by 3billion and Section for Clinical Neurogenetics, University of Tübingen).

NM_003359.4(UGDH):c.1177C>T (p.Arg393Trp)

Gene: UGDH (UDP-glucose 6-dehydrogenase; minus strand). Cytogenetic location: 4p14.
Variant type: single nucleotide variant.
Coding change: c.1177C>T on transcript NM_003359.4 (MANE Select); coding-DNA position 1177, C replaced by T.
Protein change: p.Arg393Trp; replaces arginine 393 with tryptophan.
Molecular consequence: missense variant.
Genome position (GRCh38, 1-based): chr4:39,504,503, G>A on the plus strand (C>T on the coding strand, the complement: UGDH is on the minus strand). VCF-style: chr4-39504503-G-A. GRCh37 (hg19) VCF-style: chr4-39506123-G-A.
Other names: c.976C>T, p.Arg326Trp (NM_001184700.2); c.886C>T, p.Arg296Trp (NM_001184701.2); short protein forms R393W, R296W, R326W.
Identifiers: ClinVar variation 810645 (VCV000810645.2), dbSNP rs113094436, ClinGen allele CA2894982.